The following is an entry in ClinVar:

ClinVar aggregate classification (germline): Uncertain significance (1 of 4 stars; one submission).

gnomAD v4.1: 1 of 1,614,128 alleles (0.000062%); highest among the groups gnomAD compares: Non-Finnish European, 0.000085%; no homozygotes.

Submission:

Labcorp Genetics (formerly Invitae), Labcorp
Classification: Uncertain significance. Last evaluated: 2023-07-17. Review status: criteria provided, single submitter. Criteria: Invitae Variant Classification Sherloc (09022015). Collection method: clinical testing. Allele origin: germline.
Comment: This variant has not been reported in the literature in individuals affected with ANLN-related conditions. In summary, the available evidence is currently insufficient to determine the role of this variant in disease. Therefore, it has been classified as a Variant of Uncertain Significance. Advanced modeling of protein sequence and biophysical properties (such as structural, functional, and spatial information, amino acid conservation, physicochemical variation, residue mobility, and thermodynamic stability) performed at Invitae indicates that this missense variant is not expected to disrupt ANLN protein function. This variant is present in population databases (no rsID available, gnomAD 0.0009%). This sequence change replaces lysine, which is basic and polar, with asparagine, which is neutral and polar, at codon 582 of the ANLN protein (p.Lys582Asn).

NM_018685.5(ANLN):c.1746G>C (p.Lys582Asn)

Gene: ANLN (anillin, actin binding protein; plus strand). Cytogenetic location: 7p14.2.
Variant type: single nucleotide variant.
Coding change: c.1746G>C on transcript NM_018685.5 (MANE Select); coding-DNA position 1746, G replaced by C.
Protein change: p.Lys582Asn; replaces lysine 582 with asparagine.
Molecular consequence: missense variant.
Genome position (GRCh38, 1-based): chr7:36,419,356, G>C. VCF-style: chr7-36419356-G-C. GRCh37 (hg19) VCF-style: chr7-36458965-G-C.
Other names: c.1635G>C, p.Lys545Asn (NM_001284301.3); c.1632G>C, p.Lys544Asn (NM_001284302.3); short protein forms K544N, K545N, K582N.
Identifiers: ClinVar variation 2763890 (VCV002763890.3), dbSNP rs1489932718, ClinGen allele CA367212158.
Genomic context (GRCh38, chr7:36,419,356, plus strand): 5'-GAAAGTAATTAATGACCTCTTCAGTGATGTCCTAGAGGAAGGTGAACTAGATATGGAGAA[G>C]AGCCAAGAGGAGATGGATCAAGCATTAGCAGAAAGCAGCGAAGAACAGGAAGATGCACTG-3'
Protein context (NP_061155.2, residues 572-592): VLEEGELDME[Lys582Asn]SQEEMDQALA